The following is an entry in ClinVar:

NM_014049.5(ACAD9):c.796C>T (p.Arg266Trp)

Gene: ACAD9 (acyl-CoA dehydrogenase family member 9; plus strand). Cytogenetic location: 3q21.3.
Variant type: single nucleotide variant.
Coding change: c.796C>T on transcript NM_014049.5 (MANE Select); coding-DNA position 796, C replaced by T.
Protein change: p.Arg266Trp; replaces arginine 266 with tryptophan.
Molecular consequence: missense variant. On other transcripts: non-coding transcript variant (1).
Genome position (GRCh38, 1-based): chr3:128,899,449, C>T. VCF-style: chr3-128899449-C-T. GRCh37 (hg19) VCF-style: chr3-128618292-C-T.
Other names: short protein forms R266W.
Identifiers: ClinVar variation 242466 (VCV000242466.57), dbSNP rs753711253, ClinGen allele CA353810.

ClinVar aggregate classification (germline): Pathogenic/Likely pathogenic. Review status: criteria provided, multiple submitters, no conflicts (2 of 4 stars). 13 submissions from 13 submitters: Pathogenic (3); Likely pathogenic (9). 1 of the submissions does not count toward it. Last evaluated 2025-10-14.

Conditions:
ACAD9-related disorder. Also called: ACAD9-related condition.
Mitochondrial complex I deficiency. Also called: NADH:Q(1) OXIDOREDUCTASE DEFICIENCY. Identifiers: Orphanet 2609, MedGen C1838979, MeSH C537475, MONDO:0100133.
Acyl-CoA dehydrogenase 9 deficiency. Also called: Acyl-CoA dehydrogenase family, member 9, deficiency of; MITOCHONDRIAL COMPLEX I DEFICIENCY, NUCLEAR TYPE 20. Identifiers: Orphanet 99901, MedGen C4747517, MONDO:0012624, OMIM 611126.

Allele frequency attached by ClinVar (database versions not stated): TOPMed 0.00001; ExAC 0.00002; gnomAD exomes 0.00002.
gnomAD v4.1: 19 of 1,613,848 alleles (0.0012%); highest among the groups gnomAD compares: Non-Finnish European, 0.0012%; no homozygotes.

Submissions (13):

Natera, Inc.
Classification: Likely pathogenic for ACAD9 deficiency. Last evaluated: 2025-10-14. Review status: criteria provided, single submitter. Criteria: Natera Variant Classification Schema (03/2026). Collection method: clinical testing. Allele origin: germline.
Comment: The c.796C>T variant in ACAD9 is a missense variant predicted to cause substitution of arginine to tryptophan at amino acid 266. This variant is rare in the general population with a frequency below the threshold expected for the associated phenotype(s). This variant has been observed in one or more individuals affected with the associated recessive disease, as either homozygous or compound heterozygous with a second variant (PMID: 26669660, 33027564). A different variant at the same position has been determined to be Pathogenic or Likely Pathogenic. Computational prediction algorithms indicate this variant is likely to affect gene or protein function. Given the available evidence, this variant is classified as Likely Pathogenic.

Labcorp Genetics (formerly Invitae), Labcorp
Classification: Pathogenic. Last evaluated: 2025-06-01. Review status: criteria provided, single submitter. Criteria: Invitae Variant Classification Sherloc (09022015). Collection method: clinical testing. Allele origin: germline.
Comment: This sequence change replaces arginine, which is basic and polar, with tryptophan, which is neutral and slightly polar, at codon 266 of the ACAD9 protein (p.Arg266Trp). This variant is present in population databases (rs753711253, gnomAD 0.002%). This missense change has been observed in individual(s) with clinical features of ACAD9-related conditions (PMID: 26669660, 33027564). In at least one individual the data is consistent with being in trans (on the opposite chromosome) from a pathogenic variant. ClinVar contains an entry for this variant (Variation ID: 242466). Invitae Evidence Modeling of protein sequence and biophysical properties (such as structural, functional, and spatial information, amino acid conservation, physicochemical variation, residue mobility, and thermodynamic stability) indicates that this missense variant is expected to disrupt ACAD9 protein function with a positive predictive value of 80%. This variant disrupts the p.Arg266 amino acid residue in ACAD9. Other variant(s) that disrupt this residue have been determined to be pathogenic (PMID: 21057504, 25721401, 30025539). This suggests that this residue is clinically significant, and that variants that disrupt this residue are likely to be disease-causing. For these reasons, this variant has been classified as Pathogenic.

First Genomix Gene Laboratory, Genetic Diagnostics Department
Classification: Likely pathogenic for Acyl-CoA dehydrogenase 9 deficiency. Last evaluated: 2025-05-28. Review status: criteria provided, single submitter. Criteria: ACMG Guidelines, 2015. Collection method: clinical testing. Allele origin: germline. Inheritance: Autosomal recessive inheritance. Affected: no. Observed: 1 variant allele.

GeneDx
Classification: Likely pathogenic. Last evaluated: 2024-12-02. Review status: criteria provided, single submitter. Criteria: GeneDx Variant Classification Process June 2021. Collection method: clinical testing. Allele origin: germline. Affected: yes.
Comment: Not observed at significant frequency in large population cohorts (gnomAD); In silico analysis supports that this missense variant has a deleterious effect on protein structure/function; This variant is associated with the following publications: (PMID: 26669660, 33027564, 38243131, 30025539, 35723972, 37236975)

Fulgent Genetics
Classification: Likely pathogenic for Acyl-CoA dehydrogenase 9 deficiency. Last evaluated: 2024-05-10. Review status: criteria provided, single submitter. Criteria: ACMG Guidelines, 2015. Collection method: clinical testing. Allele origin: germline.

Women's Health and Genetics/Laboratory Corporation of America, LabCorp
Classification: Likely pathogenic for Mitochondrial complex I deficiency. Last evaluated: 2023-06-12. Review status: criteria provided, single submitter. Criteria: LabCorp Variant Classification Summary - May 2015. Collection method: clinical testing. Allele origin: germline.
Comment: Variant summary: ACAD9 c.796C>T (p.Arg266Trp) results in a non-conservative amino acid change in the encoded protein sequence, altering a well-conserved residue (HGMD) in which another missense variant is classified as pathogenic (ClinVar). Five of five in-silico tools predict a damaging effect of the variant on protein function. The variant allele was found at a frequency of 1.6e-05 in 251376 control chromosomes (gnomAD). c.796C>T has been reported in the literature in individuals affected with Mitochondrial Complex I Deficiency who were compound heterozygous with other likely pathogenic variants (Collet_2016, Sparks_2020). These data indicate that the variant is likely associated with disease. To our knowledge, no experimental evidence demonstrating an impact on protein function has been reported. The following publications have been ascertained in the context of this evaluation (PMID: 26669660, 33027564). Eight submitters have provided clinical-significance assessments for this variant to ClinVar after 2014, and classified it as pathogenic/likely pathogenic. Based on the evidence outlined above, the variant was classified as likely pathogenic.

Laboratory of Medical Genetics, National & Kapodistrian University of Athens
Classification: Pathogenic for Acyl-CoA dehydrogenase 9 deficiency. Last evaluated: 2023-01-20. Review status: criteria provided, single submitter. Criteria: ACMG Guidelines, 2015. Collection method: clinical testing. Allele origin: germline. Affected: yes.
Comment: PM5, PM2, PP3, PP5

CeGaT Center for Human Genetics Tuebingen
Classification: Likely pathogenic. Last evaluated: 2023-01-01. Review status: criteria provided, single submitter. Criteria: CeGaT Center For Human Genetics Tuebingen Variant Classification Criteria Version 2. Collection method: clinical testing. Allele origin: germline. Affected: yes. Observed: 1 variant allele.
Comment: ACAD9: PM2, PM3, PM5, PP3

MGZ Medical Genetics Center
Classification: Likely pathogenic for Acyl-CoA dehydrogenase 9 deficiency. Last evaluated: 2022-06-21. Review status: criteria provided, single submitter. Criteria: ACMG Guidelines, 2015. Collection method: clinical testing. Allele origin: germline. Affected: yes. Observed: 1 variant allele.
Comment: ACMG criteria applied: PM3, PM5, PM2_SUP, PP3

Revvity Omics, Revvity
Classification: Likely pathogenic for Acyl-CoA dehydrogenase 9 deficiency. Last evaluated: 2022-02-26. Review status: criteria provided, single submitter. Criteria: ACMG Guidelines, 2015. Collection method: clinical testing. Allele origin: germline.

Victorian Clinical Genetics Services, Murdoch Childrens Research Institute
Classification: Pathogenic for Acyl-CoA dehydrogenase 9 deficiency. Last evaluated: 2021-05-06. Review status: criteria provided, single submitter. Criteria: ACMG Guidelines, 2015. Collection method: clinical testing. Allele origin: germline. Inheritance: Autosomal recessive inheritance. Affected: yes.
Comment: Based on the classification scheme VCGS_Germline_v1.3.4, this variant is classified as Pathogenic. Following criteria are met: 0102 - Loss of function is a known mechanism of disease in this gene and is associated with mitochondrial complex I deficiency, nuclear type 20 (MIM#611126). (I) 0106 - This gene is associated with autosomal recessive disease. (I) 0200 - Variant is predicted to result in a missense amino acid change from arginine to tryptophan. (I) 0251 - This variant is heterozygous. (I) 0304 - Variant is present in gnomAD (v2) <0.01 for a recessive condition (4 heterozygotes, 0 homozygotes). (SP) 0309 - An alternative amino acid change at the same position has been observed in gnomAD (v2) (3 heterozygotes, 0 homozygotes). (I) 0501 - Missense variant consistently predicted to be damaging by multiple in silico tools or highly conserved with a major amino acid change. (SP) 0600 - Variant is located in the annotated Acyl-CoA dehydrogenase, middle domain (Decipher). (I) 0704 - Another missense variant comparable to the one identified in this case has limited previous evidence for pathogenicity. The alternative change to a glutamine has been reported in individuals with complex I deficiency (PMID: 21057504). (SP) 0803 - This variant has limited previous evidence of pathogenicity in unrelated individuals. This variant has been reported in individuals with ACAD9 deficiency and complex I deficiency (ClinVar, PMID: 26669660). (SP) 0905 - No published segregation evidence has been identified for this variant. (I) 1001 - This variant has strong functional evidence supporting abnormal protein function. Functional study using patient fibroblasts demonstrated reduced protein expression in ACAD9, ECSIT and NDUFAF1 (Brain and Mitochondrial lab, MCRI). (I) Legend: (SP) - Supporting pathogenic, (I) - Information, (SB) - Supporting benign

Genomic Medicine Lab, University of California San Francisco
Classification: Likely pathogenic for Acyl-CoA dehydrogenase 9 deficiency. Last evaluated: 2019-01-10. Review status: criteria provided, single submitter. Criteria: ACMG Guidelines, 2015. Collection method: clinical testing. Allele origin: maternal. Inheritance: Autosomal recessive inheritance. Affected: yes. Study: CSER.

PreventionGenetics, part of Exact Sciences
Classification: Likely pathogenic for ACAD9-related condition. Last evaluated: 2024-09-18. Review status: no assertion criteria provided. Collection method: clinical testing. Allele origin: germline. Not counted in ClinVar's aggregate classification.
Comment: The ACAD9 c.796C>T variant is predicted to result in the amino acid substitution p.Arg266Trp. This variant has been reported in the compound heterozygous state in multiple patients with mitochondrial complex I deficiency, nuclear type 20 (Collet et al. 2016. PubMed ID: 26669660; Repp et al. 2018. PubMed ID: 30025539; Sparks et al. 2020. PubMed ID: 33027564). This variant is reported in 0.0035% of alleles in individuals of European (Non-Finnish) descent in gnomAD. This variant is interpreted as likely pathogenic.

Literature cited by the submitters: PubMed 26669660 (cited by 4 submitters); PubMed 33027564 (cited by 3 submitters); PubMed 21057504 (cited by Labcorp Genetics (formerly Invitae), Labcorp and Victorian Clinical Genetics Services, Murdoch Childrens Research Institute); PubMed 25721401 (cited by Labcorp Genetics (formerly Invitae), Labcorp); PubMed 30025539 (cited by Labcorp Genetics (formerly Invitae), Labcorp).